The following is an entry in ClinVar:

NM_006767.4(LZTR1):c.81C>G (p.Ser27Arg)

Genes: LZTR1 (leucine zipper like post translational regulator 1; plus strand), LOC130067016 (ATAC-STARR-seq lymphoblastoid silent region 13504; plus strand). Cytogenetic location: 22q11.21.
Variant type: single nucleotide variant.
Coding change: c.81C>G on transcript NM_006767.4 (MANE Select); coding-DNA position 81, C replaced by G.
Protein change: p.Ser27Arg; replaces serine 27 with arginine.
Molecular consequence: missense variant.
Genome position (GRCh38, 1-based): chr22:20,982,452, C>G. VCF-style: chr22-20982452-C-G. GRCh37 (hg19) VCF-style: chr22-21336741-C-G.
Other names: short protein forms S27R.
Identifiers: ClinVar variation 4779539 (VCV004779539.1).
Genomic context (GRCh38, chr22:20,982,452, plus strand): 5'-GGGGGGGCAGATCGGGGCTGCGGCCCTGGCAGGCGGCGCGCGGTCCAAGGTAGCCCCGAG[C>G]GTGGACTTCGACCATAGCTGCTCGGACAGTGTCGAGTACCTGACGCTCAACTTCGGGCCC-3'
Protein context (NP_006758.2, residues 17-37): AGGARSKVAP[Ser27Arg]VDFDHSCSDS

ClinVar aggregate classification (germline): Uncertain significance (1 of 4 stars; one submission).

Submission:

Labcorp Genetics (formerly Invitae), Labcorp
Classification: Uncertain significance. Last evaluated: 2025-09-20. Review status: criteria provided, single submitter. Criteria: Invitae Variant Classification Sherloc (09022015). Collection method: clinical testing. Allele origin: germline.
Comment: This sequence change replaces serine, which is neutral and polar, with arginine, which is basic and polar, at codon 27 of the LZTR1 protein (p.Ser27Arg). This variant is not present in population databases (gnomAD no frequency). This variant has not been reported in the literature in individuals affected with LZTR1-related conditions. Invitae Evidence Modeling of protein sequence and biophysical properties (such as structural, functional, and spatial information, amino acid conservation, physicochemical variation, residue mobility, and thermodynamic stability) indicates that this missense variant is not expected to disrupt LZTR1 protein function with a negative predictive value of 80%. In summary, the available evidence is currently insufficient to determine the role of this variant in disease. Therefore, it has been classified as a Variant of Uncertain Significance.